The following is an entry in ClinVar:

NM_144997.7(FLCN):c.1512C>T (p.Leu504=)

Gene: FLCN (folliculin; minus strand). Cytogenetic location: 17p11.2.
Variant type: single nucleotide variant.
Coding change: c.1512C>T on transcript NM_144997.7 (MANE Select); coding-DNA position 1512, C replaced by T.
Protein change: p.Leu504=; no amino-acid change (leucine 504 retained).
Molecular consequence: synonymous variant.
Genome position (GRCh38, 1-based): chr17:17,215,011, G>A on the plus strand (C>T on the coding strand, the complement: FLCN is on the minus strand). VCF-style: chr17-17215011-G-A. GRCh37 (hg19) VCF-style: chr17-17118325-G-A.
Other names: c.1512C>T (LRG_325t1); c.1566C>T, p.Leu522= (NM_001353229.2); c.1512C>T, p.Leu504= (NM_001353230.2, NM_001353231.2).
Identifiers: ClinVar variation 530008 (VCV000530008.16), dbSNP rs757471403, ClinGen allele CA8415953.

ClinVar aggregate classification (germline): Benign/Likely benign. Review status: criteria provided, multiple submitters, no conflicts (2 of 4 stars). 3 submissions from 3 submitters: Benign (1); Likely benign (2). Last evaluated 2026-01-27.

Conditions:
Birt-Hogg-Dube syndrome 1 (BHD1). Also called: FIBROFOLLICULOMAS WITH TRICHODISCOMAS AND ACROCHORDONS. Identifiers: Orphanet 122, MedGen CN375946, MONDO:0800445, OMIM 135150.
Birt-Hogg-Dube syndrome. Also called: Birt Hogg Dubé syndrome. Identifiers: Orphanet 122, MedGen C0346010, MONDO:0800444.
Hereditary cancer-predisposing syndrome. Also called: Neoplastic Syndromes, Hereditary; Hereditary neoplastic syndrome; Tumor predisposition; Hereditary Cancer Syndrome. Identifiers: Orphanet 140162, MedGen C0027672, MeSH D009386, MONDO:0015356.

Allele frequency attached by ClinVar (database versions not stated): gnomAD 0.00001; gnomAD exomes 0.00001 and 0.00002; ExAC 0.00002; TOPMed 0.00003.
gnomAD v4.1: 20 of 1,614,030 alleles (0.0012%); highest among the groups gnomAD compares: South Asian, 0.0033%; no homozygotes.

Submissions (3):

Labcorp Genetics (formerly Invitae), Labcorp
Classification: Likely benign for Birt-Hogg-Dube syndrome. Last evaluated: 2026-01-27. Review status: criteria provided, single submitter. Criteria: Invitae Variant Classification Sherloc (09022015). Collection method: clinical testing. Allele origin: germline.

Myriad Genetics, Inc.
Classification: Benign for Birt-Hogg-Dube syndrome 1. Last evaluated: 2024-10-25. Review status: criteria provided, single submitter. Criteria: Myriad Autosomal Dominant, Autosomal Recessive and X-Linked Classification Criteria (2023). Collection method: clinical testing. Allele origin: unknown.
Comment: This variant is considered benign. This variant is a silent/synonymous amino acid change and it is not expected to impact splicing.

Ambry Genetics
Classification: Likely benign for Hereditary cancer-predisposing syndrome. Last evaluated: 2018-05-23. Review status: criteria provided, single submitter. Criteria: Ambry Variant Classification Scheme 2023. Collection method: clinical testing. Allele origin: germline.